The following is an entry in ClinVar:

NM_001103.4(ACTN2):c.2425_2430del (p.Val809_Thr810del)

Gene: ACTN2 (actinin alpha 2; plus strand). Cytogenetic location: 1q43.
Variant type: Deletion.
Coding change: c.2425_2430del on transcript NM_001103.4 (MANE Select); coding-DNA positions 2425 to 2430, 6 bases deleted (GTCACC; older notation c.2425_2430delGTCACC).
Protein change: p.Val809_Thr810del.
Molecular consequence: inframe deletion.
Genome position (GRCh38, 1-based): chr1:236,761,072-236,761,077, GTCACC deleted; deleting any 6 consecutive bases within chr1:236,761,068-236,761,077 gives the same sequence; the c. name uses the placement nearest the transcript's 3' end. VCF-style (leftmost placement, unchanged base first): chr1-236761067-GCACCGT-G. GRCh37 (hg19) VCF-style: chr1-236924367-GCACCGT-G.
Other names: c.2425_2430del, p.Val809_Thr810del (NM_001278343.2); c.1801_1806del, p.Val601_Thr602del (NM_001278344.2).
Identifiers: ClinVar variation 967639 (VCV000967639.10), dbSNP rs1659690423, ClinGen allele CA1139656665.
Genomic context (GRCh38, chr1:236,761,067, plus strand): 5'-TGCCCCAGGGTGAAGCCGAATTTGCCCGCATTATGACCCTGGTAGATCCCAACGGGCAAG[GCACCGT>G]CACCTTCCAATCCTTCATCGACTTCATGACTAGAGAGACGGCTGACACCGACACTGCCGA-3'

ClinVar aggregate classification (germline): Uncertain significance (1 of 4 stars; one submission).

Conditions:
Primary familial hypertrophic cardiomyopathy (HCM). Identifiers: Orphanet 99739, MedGen C0949658, MeSH D024741, MONDO:0024573. Inheritance: Various modes of inheritance.
Dilated cardiomyopathy 1AA (CMD1AA). Also called: Cardiomyopathy, dilated, 1AA, with or without LVNC; CARDIOMYOPATHY, DILATED, 1AA, WITH OR WITHOUT LEFT VENTRICULAR NONCOMPACTION; CARDIOMYOPATHY, FAMILIAL HYPERTROPHIC, 23, WITH OR WITHOUT LEFT VENTRICULAR NONCOMPACTION. Identifiers: Orphanet 154, MedGen C2677338, MONDO:0012808, OMIM 612158.

Submission:

Labcorp Genetics (formerly Invitae), Labcorp
Classification: Uncertain significance for Primary familial hypertrophic cardiomyopathy; Dilated cardiomyopathy 1AA. Last evaluated: 2022-07-12. Review status: criteria provided, single submitter. Criteria: Invitae Variant Classification Sherloc (09022015). Collection method: clinical testing. Allele origin: germline.
Comment: Experimental studies and prediction algorithms are not available or were not evaluated, and the functional significance of this variant is currently unknown. ClinVar contains an entry for this variant (Variation ID: 967639). This variant has not been reported in the literature in individuals affected with ACTN2-related conditions. This variant is not present in population databases (gnomAD no frequency). This variant, c.2425_2430del, results in the deletion of 2 amino acid(s) of the ACTN2 protein (p.Val809_Thr810del), but otherwise preserves the integrity of the reading frame. In summary, the available evidence is currently insufficient to determine the role of this variant in disease. Therefore, it has been classified as a Variant of Uncertain Significance.